The following is an entry in ClinVar:

ClinVar aggregate classification (germline): Uncertain significance (1 of 4 stars; one submission).

gnomAD v4.1: 2 of 1,614,102 alleles (0.00012%); highest among the groups gnomAD compares: East Asian, 0.0022%; no homozygotes.

Submission:

Labcorp Genetics (formerly Invitae), Labcorp
Classification: Uncertain significance. Last evaluated: 2024-05-12. Review status: criteria provided, single submitter. Criteria: Invitae Variant Classification Sherloc (09022015). Collection method: clinical testing. Allele origin: germline.
Comment: This sequence change replaces leucine, which is neutral and non-polar, with phenylalanine, which is neutral and non-polar, at codon 1396 of the DUOX2 protein (p.Leu1396Phe). This variant is not present in population databases (gnomAD no frequency). This variant has not been reported in the literature in individuals affected with DUOX2-related conditions. Advanced modeling of protein sequence and biophysical properties (such as structural, functional, and spatial information, amino acid conservation, physicochemical variation, residue mobility, and thermodynamic stability) performed at Invitae indicates that this missense variant is expected to disrupt DUOX2 protein function with a positive predictive value of 80%. In summary, the available evidence is currently insufficient to determine the role of this variant in disease. Therefore, it has been classified as a Variant of Uncertain Significance.

NM_001363711.2(DUOX2):c.4186C>T (p.Leu1396Phe)

Gene: DUOX2 (dual oxidase 2; minus strand). Cytogenetic location: 15q21.1.
Variant type: single nucleotide variant.
Coding change: c.4186C>T on transcript NM_001363711.2 (MANE Select); coding-DNA position 4186, C replaced by T.
Protein change: p.Leu1396Phe; replaces leucine 1396 with phenylalanine.
Molecular consequence: missense variant.
Genome position (GRCh38, 1-based): chr15:45,095,490, G>A on the plus strand (C>T on the coding strand, the complement: DUOX2 is on the minus strand). VCF-style: chr15-45095490-G-A. GRCh37 (hg19) VCF-style: chr15-45387688-G-A.
Other names: c.4186C>T, p.Leu1396Phe (NM_014080.5); short protein forms L1396F.
Identifiers: ClinVar variation 3692285 (VCV003692285.2).